The following is an entry in ClinVar:

ClinVar aggregate classification (germline): Conflicting classifications of pathogenicity. Review status: criteria provided, conflicting classifications (1 of 4 stars). 2 submissions from 2 submitters: Likely pathogenic (1); Uncertain significance (1). Last evaluated 2022-08-31.

Conditions:
GLUT1 deficiency syndrome 1, autosomal recessive. Identifiers: MedGen C3149117.

Submissions (2):

Labcorp Genetics (formerly Invitae), Labcorp
Classification: Uncertain significance for GLUT1 deficiency syndrome 1, autosomal recessive. Last evaluated: 2022-08-31. Review status: criteria provided, single submitter. Criteria: Invitae Variant Classification Sherloc (09022015). Collection method: clinical testing. Allele origin: germline.
Comment: In summary, the available evidence is currently insufficient to determine the role of this variant in disease. Therefore, it has been classified as a Variant of Uncertain Significance. Advanced modeling of protein sequence and biophysical properties (such as structural, functional, and spatial information, amino acid conservation, physicochemical variation, residue mobility, and thermodynamic stability) performed at Invitae indicates that this missense variant is expected to disrupt SLC2A1 protein function. ClinVar contains an entry for this variant (Variation ID: 427185). This variant has not been reported in the literature in individuals affected with SLC2A1-related conditions. This variant is not present in population databases (gnomAD no frequency). This sequence change replaces glycine, which is neutral and non-polar, with arginine, which is basic and polar, at codon 175 of the SLC2A1 protein (p.Gly175Arg).

GeneDx
Classification: Likely pathogenic. Last evaluated: 2015-04-23. Review status: criteria provided, single submitter. Criteria: GeneDx Variant Classification (06012015). Collection method: clinical testing. Allele origin: germline. Affected: yes.
Comment: The G175R variant in the SLC2A1 gene has not been published as a variant, nor has it been reported as a benign polymorphism to our knowledge. The G175R variant was not observed in approximately 6500 individuals of European and African American ancestry in the NHLBI Exome Sequencing Project, indicating it is not a common benign variant in these populations. The G175R variant is a non-conservative amino acid substitution, which is likely to impact secondary protein structure as these residues differ in polarity, charge, size and/or other properties. This substitution occurs at a position that is conserved across species. In silico analysis predicts this variant is probably damaging to the protein structure/function. A missense variant in a nearby residue (L169P) has been reported in the Human Gene Mutation Database in association with glucose transported 1 deficiency syndrome (Stenson et al., 2014), supporting the functional importance of this region of the protein. The G175R variant is a strong candidate for a disease-causing variant however the possibility it may be a rare benign variant cannot be excluded

NM_006516.4(SLC2A1):c.523G>C (p.Gly175Arg)

Gene: SLC2A1 (solute carrier family 2 member 1; minus strand). Cytogenetic location: 1p34.2.
Variant type: single nucleotide variant.
Coding change: c.523G>C on transcript NM_006516.4 (MANE Select); coding-DNA position 523, G replaced by C.
Protein change: p.Gly175Arg; replaces glycine 175 with arginine.
Molecular consequence: missense variant.
Genome position (GRCh38, 1-based): chr1:42,930,029, C>G on the plus strand (G>C on the coding strand, the complement: SLC2A1 is on the minus strand). VCF-style: chr1-42930029-C-G. GRCh37 (hg19) VCF-style: chr1-43395700-C-G.
Other names: short protein forms G175R.
Identifiers: ClinVar variation 427185 (VCV000427185.8), dbSNP rs1085308009, ClinGen allele CA339958920.
Genomic context (GRCh38, chr1:42,930,029, plus strand): 5'-TGAAGATGATGCTCAGCAGCAGGGGCCACAGGTCCTTGTTGCCCATGATGGAGTCCAGGC[C>G]GAACACCTGGGGGAAGCAGGGGCCGTGAGCGCCTCTGCCCTGACCCCCTTTCCCACCCCG-3'
Protein context (NP_006507.2, residues 165-185): VVGILIAQVF[Gly175Arg]LDSIMGNKDL